The following is an entry in ClinVar:

NM_001369.3(DNAH5):c.9105+2T>C

Gene: DNAH5 (dynein axonemal heavy chain 5; minus strand). Cytogenetic location: 5p15.2.
Variant type: single nucleotide variant.
Coding change: c.9105+2T>C on transcript NM_001369.3 (MANE Select); the canonical splice donor site of the intron after coding-DNA position 9105, T replaced by C.
Molecular consequence: splice donor variant.
Genome position (GRCh38, 1-based): chr5:13,777,200, A>G on the plus strand (T>C on the coding strand, the complement: DNAH5 is on the minus strand). VCF-style: chr5-13777200-A-G. GRCh37 (hg19) VCF-style: chr5-13777309-A-G.
Identifiers: ClinVar variation 658843 (VCV000658843.3), dbSNP rs1580179985, ClinGen allele CA359210012.
Genomic context (GRCh38, chr5:13,777,200, plus strand): 5'-AGAGCTCTAAGCTGGAGGAAATCTGAAGGGATAAAACACATAAAGAATAAATGAGCTCCT[A>G]CCTCACCTGATGATAAAACATTGTTCATATATTCCAAAAATGACTCATCTTTAATCTCAT-3'

ClinVar aggregate classification (germline): Pathogenic/Likely pathogenic. Review status: criteria provided, multiple submitters, no conflicts (2 of 4 stars). 2 submissions from 2 submitters: Pathogenic (1); Likely pathogenic (1). Last evaluated 2024-11-17.

Conditions:
Primary ciliary dyskinesia. Also called: Ciliary dyskinesia. Identifiers: Orphanet 244, MedGen C0008780, MONDO:0016575, HP:0012265.

Submissions (2):

Natera, Inc.
Classification: Pathogenic for Primary ciliary dyskinesia. Last evaluated: 2024-11-17. Review status: criteria provided, single submitter. Criteria: Natera Variant Classification Schema (03/2026). Collection method: clinical testing. Allele origin: germline.
Comment: The c.9105+2T>C variant in DNAH5 is a canonical splice donor site variant predicted to affect pre-mRNA splicing, which may result in an abnormal transcript and altered protein product. This variant is expected to result in nonsense mediated decay, truncation, or a dysfunctional protein product. This variant is rare in the general population with a frequency below the threshold expected for the associated phenotype(s). This variant has been observed in one or more individuals affected with the associated recessive disease, as either homozygous or compound heterozygous with a second variant (PMID: 28478721). Given the available evidence, this variant is classified as Pathogenic.

Labcorp Genetics (formerly Invitae), Labcorp
Classification: Likely pathogenic for Primary ciliary dyskinesia. Last evaluated: 2019-11-05. Review status: criteria provided, single submitter. Criteria: Invitae Variant Classification Sherloc (09022015). Collection method: clinical testing. Allele origin: germline.
Comment: This sequence change affects a donor splice site in intron 54 of the DNAH5 gene. It is expected to disrupt RNA splicing and likely results in an absent or disrupted protein product. This variant is not present in population databases (ExAC no frequency). This variant has not been reported in the literature in individuals with DNAH5-related disease. Algorithms developed to predict the effect of sequence changes on RNA splicing suggest that this variant may disrupt the consensus splice site, but this prediction has not been confirmed by published transcriptional studies. Donor and acceptor splice site variants typically lead to a loss of protein function (PMID: 16199547), and loss-of-function variants in DNAH5 are known to be pathogenic (PMID: 11788826, 16627867). In summary, the currently available evidence indicates that the variant is pathogenic, but additional data are needed to prove that conclusively. Therefore, this variant has been classified as Likely Pathogenic.

Literature cited by the submitters: PubMed 28478721 (cited by Natera, Inc.); PubMed 11788826 (cited by Labcorp Genetics (formerly Invitae), Labcorp); PubMed 16627867 (cited by Labcorp Genetics (formerly Invitae), Labcorp).